The following is an entry in ClinVar:

NM_004336.5(BUB1):c.2563G>T (p.Ala855Ser)

Gene: BUB1 (BUB1 mitotic checkpoint serine/threonine kinase; minus strand). Cytogenetic location: 2q13.
Variant type: single nucleotide variant.
Coding change: c.2563G>T on transcript NM_004336.5 (MANE Select); coding-DNA position 2563, G replaced by T.
Protein change: p.Ala855Ser; replaces alanine 855 with serine.
Molecular consequence: missense variant.
Genome position (GRCh38, 1-based): chr2:110,641,704, C>A on the plus strand (G>T on the coding strand, the complement: BUB1 is on the minus strand). VCF-style: chr2-110641704-C-A. GRCh37 (hg19) VCF-style: chr2-111399281-C-A.
Other names: c.2503G>T, p.Ala835Ser (NM_001278616.2); c.2563G>T, p.Ala855Ser (NM_001278617.2); short protein forms A835S, A855S.
Identifiers: ClinVar variation 3224054 (VCV003224054.1), dbSNP rs2467972091, ClinGen allele CA348090304.
Genomic context (GRCh38, chr2:110,641,704, plus strand): 5'-ATAATGTTCCATAGCTGTAGAGCTCTCCTACTAATACACTGCCATTCTGGAATAAGTGGG[C>A]AGAATAGAACTTCATAAACATGTGCTGCATAGATGGCTTTAGTCTTTCCATCAACTGGGT-3'
Protein context (NP_004327.1, residues 845-865): MQHMFMKFYS[Ala855Ser]HLFQNGSVLV

ClinVar aggregate classification (germline): Uncertain significance (1 of 4 stars; one submission).

Submission:

Ambry Genetics
Classification: Uncertain significance. Last evaluated: 2024-03-14. Review status: criteria provided, single submitter. Criteria: Ambry Variant Classification Scheme 2023. Collection method: clinical testing. Allele origin: germline.
Comment: The p.A855S variant (also known as c.2563G>T), located in coding exon 21 of the BUB1 gene, results from a G to T substitution at nucleotide position 2563. The alanine at codon 855 is replaced by serine, an amino acid with similar properties. This amino acid position is conserved. In addition, the in silico prediction for this alteration is inconclusive. Based on the available evidence, the clinical significance of this alteration remains unclear.